The following is an entry in ClinVar:

NM_000492.4(CFTR):c.662C>T (p.Ala221Val)

Gene: CFTR (CF transmembrane conductance regulator; plus strand). Cytogenetic location: 7q31.2.
Variant type: single nucleotide variant.
Coding change: c.662C>T on transcript NM_000492.4 (MANE Select); coding-DNA position 662, C replaced by T.
Protein change: p.Ala221Val; replaces alanine 221 with valine.
Molecular consequence: missense variant.
Genome position (GRCh38, 1-based): chr7:117,535,330, C>T. VCF-style: chr7-117535330-C-T. GRCh37 (hg19) VCF-style: chr7-117175384-C-T.
Other names: short protein forms A221V.
Identifiers: ClinVar variation 495955 (VCV000495955.8), dbSNP rs752432390, ClinGen allele CA4450795.
Genomic context (GRCh38, chr7:117,535,330, plus strand): 5'-TGTGGATCGCTCCTTTGCAAGTGGCACTCCTCATGGGGCTAATCTGGGAGTTGTTACAGG[C>T]GTCTGCCTTCTGTGGACTTGGTTTCCTGATAGTCCTTGCCCTTTTTCAGGCTGGGCTAGG-3'
Protein context (NP_000483.3, residues 211-231): LMGLIWELLQ[Ala221Val]SAFCGLGFLI

ClinVar aggregate classification (germline): Uncertain significance. Review status: criteria provided, multiple submitters, no conflicts (2 of 4 stars). 5 submissions from 5 submitters: Uncertain significance (3). 2 of the submissions do not count toward it. Last evaluated 2025-05-30.

Conditions:
CFTR-related disorder (CFTR-RD). Also called: CFTR-related disorders; CFTR-related condition. Identifiers: MedGen C5924204, MONDO:7770004.
Cystic fibrosis (CF). Also called: MUCOVISCIDOSIS. Identifiers: Orphanet 586, MedGen C0010674, MONDO:0009061, OMIM 219700. Disease mechanism: loss of function.

Allele frequency attached by ClinVar (database versions not stated): gnomAD 0.00001; gnomAD exomes 0.00001; TOPMed 0.00001; ExAC 0.00001.
gnomAD v4.1: 16 of 1,613,886 alleles (0.00099%); highest among the groups gnomAD compares: African/African-American, 0.004%; no homozygotes.

Submissions (5):

Ambry Genetics
Classification: Uncertain significance for Cystic fibrosis. Last evaluated: 2025-05-30. Review status: criteria provided, single submitter. Criteria: Ambry Variant Classification Scheme 2023. Collection method: clinical testing. Allele origin: germline.
Comment: The p.A221V variant (also known as c.662C>T), located in coding exon 6 of the CFTR gene, results from a C to T substitution at nucleotide position 662. The alanine at codon 221 is replaced by valine, an amino acid with similar properties. This amino acid position is not well conserved in available vertebrate species. In addition, this alteration is predicted to be tolerated by in silico analysis. Based on the available evidence, the clinical significance of this variant remains unclear.

Labcorp Genetics (formerly Invitae), Labcorp
Classification: Uncertain significance for Cystic fibrosis. Last evaluated: 2022-01-17. Review status: criteria provided, single submitter. Criteria: Invitae Variant Classification Sherloc (09022015). Collection method: clinical testing. Allele origin: germline.
Comment: This sequence change replaces alanine, which is neutral and non-polar, with valine, which is neutral and non-polar, at codon 221 of the CFTR protein (p.Ala221Val). This variant is present in population databases (rs752432390, gnomAD 0.008%). This variant has not been reported in the literature in individuals affected with CFTR-related conditions. ClinVar contains an entry for this variant (Variation ID: 495955). Algorithms developed to predict the effect of missense changes on protein structure and function (SIFT, PolyPhen-2, Align-GVGD) all suggest that this variant is likely to be tolerated. Algorithms developed to predict the effect of sequence changes on RNA splicing suggest that this variant may create or strengthen a splice site. In summary, the available evidence is currently insufficient to determine the role of this variant in disease. Therefore, it has been classified as a Variant of Uncertain Significance.

Women's Health and Genetics/Laboratory Corporation of America, LabCorp
Classification: Uncertain significance. Last evaluated: 2017-06-15. Review status: criteria provided, single submitter. Criteria: LabCorp Variant Classification Summary - May 2015. Collection method: clinical testing. Allele origin: germline.
Comment: Variant summary: The CFTR c.662C>T (p.Ala221Val) variant involves the alteration of a conserved nucleotide located in the ABC transporter type 1, transmembrane domain (InterPro). 2/4 in silico tools predict a benign outcome for this variant. This variant is absent in 121400 control chromosomes. The variant of interest has not, to our knowledge, been reported in affected individuals via publications and/or reputable databases/clinical diagnostic laboratories; nor evaluated for functional impact by in vivo/vitro studies. Because of the absence of clinical information and the lack of functional studies, the variant is classified as a variant of uncertain significance (VUS) until additional information becomes available.

PreventionGenetics, part of Exact Sciences
Classification: Uncertain significance for CFTR-related condition. Last evaluated: 2024-09-05. Review status: no assertion criteria provided. Collection method: clinical testing. Allele origin: germline. Not counted in ClinVar's aggregate classification.
Comment: The CFTR c.662C>T variant is predicted to result in the amino acid substitution p.Ala221Val. To our knowledge, this variant has not been reported in the literature. This variant is reported in 0.0080% of alleles in individuals of African descent in gnomAD. At this time, the clinical significance of this variant is uncertain due to the absence of conclusive functional and genetic evidence.

Natera, Inc.
Classification: Uncertain significance for CFTR-related disorders. Last evaluated: 2018-09-14. Review status: no assertion criteria provided. Collection method: clinical testing. Allele origin: germline. Not counted in ClinVar's aggregate classification.